The following is an entry in ClinVar:

ClinVar aggregate classification (germline): Uncertain significance (1 of 4 stars; one submission).

Submission:

Labcorp Genetics (formerly Invitae), Labcorp
Classification: Uncertain significance. Last evaluated: 2017-03-02. Review status: criteria provided, single submitter. Criteria: Invitae Variant Classification Sherloc (09022015). Collection method: clinical testing. Allele origin: germline.
Comment: In summary, this variant is a novel missense change with uncertain impact on protein function. It has been classified as a Variant of Uncertain Significance. This sequence change replaces isoleucine with methionine at codon 1502 of the POLE protein (p.Ile1502Met). The isoleucine residue is weakly conserved and there is a small physicochemical difference between isoleucine and methionine. This variant is not present in population databases (ExAC no frequency) and has not been reported in the literature in individuals with a POLE-related disease. Algorithms developed to predict the effect of missense changes on protein structure and function do not agree on the potential impact of this missense change (SIFT: "Deleterious"; PolyPhen-2: "Benign"; Align-GVGD: "Class C0").

NM_006231.4(POLE):c.4506C>G (p.Ile1502Met)

Gene: POLE (DNA polymerase epsilon, catalytic subunit; minus strand). Cytogenetic location: 12q24.33.
Variant type: single nucleotide variant.
Coding change: c.4506C>G on transcript NM_006231.4 (MANE Select); coding-DNA position 4506, C replaced by G.
Protein change: p.Ile1502Met; replaces isoleucine 1502 with methionine.
Molecular consequence: missense variant.
Genome position (GRCh38, 1-based): chr12:132,643,269, G>C on the plus strand (C>G on the coding strand, the complement: POLE is on the minus strand). VCF-style: chr12-132643269-G-C. GRCh37 (hg19) VCF-style: chr12-133219855-G-C.
Other names: short protein forms I1502M.
Identifiers: ClinVar variation 1006170 (VCV001006170.8), dbSNP rs2042196036, ClinGen allele CA387380495.